The following is an entry in ClinVar:

ClinVar aggregate classification (germline): Likely pathogenic (1 of 4 stars; one submission).

Conditions:
Glycogen storage disease, type II (IOPD). Also called: CARDIOMEGALIA GLYCOGENICA DIFFUSA; GLYCOGENOSIS, GENERALIZED, CARDIAC FORM; GSD II; POMPE DISEASE, INFANTILE-ONSET; GLYCOGEN STORAGE DISEASE II, INFANTILE-ONSET; ACID ALPHA-GLUCOSIDASE DEFICIENCY, INFANTILE-ONSET. Identifiers: Orphanet 365, MedGen C0017921, MONDO:0009290, OMIM 232300.

Submission:

Myriad Genetics, Inc.
Classification: Likely pathogenic for Glycogen storage disease, type II. Last evaluated: 2019-10-03. Review status: criteria provided, single submitter. Criteria: Myriad Women's Health Autosomal Recessive and X-Linked Classification Criteria (2019). Collection method: clinical testing. Allele origin: unknown.
Comment: NM_000152.3(GAA):c.2619C>A(Y873*) is expected to be pathogenic in the context of Pompe disease. This variant is predicted to lead to an abnormal or absent protein product due to the creation of a premature termination codon in GAA, a gene where loss-of-function variants are known to be pathogenic. Please note: this variant was assessed in the context of healthy population screening.

NM_000152.5(GAA):c.2619C>A (p.Tyr873Ter)

Gene: GAA (alpha glucosidase; plus strand). Cytogenetic location: 17q25.3.
Variant type: single nucleotide variant.
Coding change: c.2619C>A on transcript NM_000152.5 (MANE Select); coding-DNA position 2619, C replaced by A.
Protein change: p.Tyr873Ter; replaces tyrosine 873 with a stop codon.
Molecular consequence: nonsense.
Genome position (GRCh38, 1-based): chr17:80,118,330, C>A. VCF-style: chr17-80118330-C-A. GRCh37 (hg19) VCF-style: chr17-78092129-C-A.
Other names: c.2619C>A, p.Tyr873Ter (NM_001079803.3, NM_001079804.3); short protein forms Y873*.
Identifiers: ClinVar variation 983813 (VCV000983813.3), dbSNP rs1555603132, ClinGen allele CA401326387.